The following is an entry in ClinVar:

NM_001256071.3(RNF213):c.10567G>A (p.Gly3523Arg)

Genes: RNF213 (ring finger protein 213; plus strand), RNF213-AS1 (RNF213 antisense RNA 1; minus strand). Cytogenetic location: 17q25.3.
Variant type: single nucleotide variant.
Coding change: c.10567G>A on transcript NM_001256071.3 (MANE Select); coding-DNA position 10567, G replaced by A.
Protein change: p.Gly3523Arg; replaces glycine 3523 with arginine.
Molecular consequence: missense variant. On other transcripts: non-coding transcript variant (1).
Genome position (GRCh38, 1-based): chr17:80,353,655, G>A. VCF-style: chr17-80353655-G-A. GRCh37 (hg19) VCF-style: chr17-78327455-G-A.
Other names: c.10567G>A (NM_001256071.1); short protein forms G3523R.
Identifiers: ClinVar variation 733381 (VCV000733381.4), dbSNP rs547158013, ClinGen allele CA8821479.

ClinVar aggregate classification (germline): Conflicting classifications of pathogenicity. Review status: criteria provided, conflicting classifications (1 of 4 stars). 2 submissions from 2 submitters: Uncertain significance (1); Benign (1). Last evaluated 2023-03-20.

Allele frequency attached by ClinVar (database versions not stated): gnomAD 0.00001 and 0.00006; TOPMed 0.00001; gnomAD exomes 0.00014 and 0.00027; ExAC 0.00042; 1000 Genomes Project 0.00060; 1000 Genomes Project 30x 0.00062.
gnomAD v4.1: 207 of 1,614,196 alleles (0.013%); highest among the groups gnomAD compares: South Asian, 0.21%; 5 homozygotes.

Submissions (2):

GeneDx
Classification: Uncertain significance. Last evaluated: 2023-03-20. Review status: criteria provided, single submitter. Criteria: GeneDx Variant Classification Process June 2021. Collection method: clinical testing. Allele origin: germline. Affected: yes.
Comment: In silico analysis supports that this missense variant does not alter protein structure/function; This variant is associated with the following publications: (PMID: 31785789)

Labcorp Genetics (formerly Invitae), Labcorp
Classification: Benign. Last evaluated: 2017-12-28. Review status: criteria provided, single submitter. Criteria: Invitae Variant Classification Sherloc (09022015). Collection method: clinical testing. Allele origin: germline.